The following is an entry in ClinVar:

NM_012254.3(SLC27A5):c.1895A>G (p.Gln632Arg)

Gene: SLC27A5 (solute carrier family 27 member 5; minus strand). Cytogenetic location: 19q13.43.
Variant type: single nucleotide variant.
Coding change: c.1895A>G on transcript NM_012254.3 (MANE Select); coding-DNA position 1895, A replaced by G.
Protein change: p.Gln632Arg; replaces glutamine 632 with arginine.
Molecular consequence: missense variant.
Genome position (GRCh38, 1-based): chr19:58,498,786, T>C on the plus strand (A>G on the coding strand, the complement: SLC27A5 is on the minus strand). VCF-style: chr19-58498786-T-C. GRCh37 (hg19) VCF-style: chr19-59010153-T-C.
Other names: c.1895A>G (NM_012254.2); c.1643A>G, p.Gln548Arg (NM_001321196.2); short protein forms Q548R, Q632R.
Identifiers: ClinVar variation 2077445 (VCV002077445.5), dbSNP rs578142450, ClinGen allele CA9717782.

ClinVar aggregate classification (germline): Uncertain significance. Review status: criteria provided, multiple submitters, no conflicts (2 of 4 stars). 2 submissions from 2 submitters: Uncertain significance (2). Last evaluated 2024-04-20.

Allele frequency attached by ClinVar (database versions not stated): 1000 Genomes Project 30x 0.00031; TOPMed 0.00001; 1000 Genomes Project 0.00020; gnomAD 0.00003; gnomAD exomes 0.00004; ExAC 0.00007.
gnomAD v4.1: 75 of 1,613,874 alleles (0.0046%); highest among the groups gnomAD compares: South Asian, 0.075%; no homozygotes.

Submissions (2):

Ambry Genetics
Classification: Uncertain significance. Last evaluated: 2024-04-20. Review status: criteria provided, single submitter. Criteria: Ambry Variant Classification Scheme 2023. Collection method: clinical testing. Allele origin: germline.

Labcorp Genetics (formerly Invitae), Labcorp
Classification: Uncertain significance. Last evaluated: 2022-07-15. Review status: criteria provided, single submitter. Criteria: Invitae Variant Classification Sherloc (09022015). Collection method: clinical testing. Allele origin: germline.
Comment: In summary, the available evidence is currently insufficient to determine the role of this variant in disease. Therefore, it has been classified as a Variant of Uncertain Significance. Algorithms developed to predict the effect of missense changes on protein structure and function output the following: SIFT: "Tolerated"; PolyPhen-2: "Benign"; Align-GVGD: "Class C0". The arginine amino acid residue is found in multiple mammalian species, which suggests that this missense change does not adversely affect protein function. This sequence change replaces glutamine, which is neutral and polar, with arginine, which is basic and polar, at codon 632 of the SLC27A5 protein (p.Gln632Arg). This variant is present in population databases (rs578142450, gnomAD 0.08%), and has an allele count higher than expected for a pathogenic variant. This variant has not been reported in the literature in individuals affected with SLC27A5-related conditions.